The following is an entry in ClinVar:

ClinVar aggregate classification (germline): Uncertain significance. Review status: criteria provided, multiple submitters, no conflicts (2 of 4 stars). 3 submissions from 3 submitters: Uncertain significance (3). Last evaluated 2024-04-09.

Conditions:
Inborn genetic diseases. Identifiers: MedGen C0950123, MeSH D030342.

Allele frequency attached by ClinVar (database versions not stated): ExAC 0.00001; gnomAD 0.00001; TOPMed 0.00001; gnomAD exomes 0.00003.
gnomAD v4.1: 46 of 1,613,982 alleles (0.0029%); highest among the groups gnomAD compares: Non-Finnish European, 0.0036%; no homozygotes.

Submissions (3):

GeneDx
Classification: Uncertain significance. Last evaluated: 2024-04-09. Review status: criteria provided, single submitter. Criteria: GeneDx Variant Classification Process June 2021. Collection method: clinical testing. Allele origin: germline. Affected: yes.
Comment: Not observed at significant frequency in large population cohorts (gnomAD); In silico analysis indicates that this missense variant does not alter protein structure/function; Has not been previously published as pathogenic or benign to our knowledge

Labcorp Genetics (formerly Invitae), Labcorp
Classification: Uncertain significance. Last evaluated: 2022-06-18. Review status: criteria provided, single submitter. Criteria: Invitae Variant Classification Sherloc (09022015). Collection method: clinical testing. Allele origin: germline.
Comment: This sequence change replaces lysine, which is basic and polar, with glutamine, which is neutral and polar, at codon 4224 of the FAT4 protein (p.Lys4224Gln). This variant is present in population databases (rs766249941, gnomAD 0.004%). This variant has not been reported in the literature in individuals affected with FAT4-related conditions. Advanced modeling of protein sequence and biophysical properties (such as structural, functional, and spatial information, amino acid conservation, physicochemical variation, residue mobility, and thermodynamic stability) performed at Invitae indicates that this missense variant is not expected to disrupt FAT4 protein function. In summary, the available evidence is currently insufficient to determine the role of this variant in disease. Therefore, it has been classified as a Variant of Uncertain Significance.

Ambry Genetics
Classification: Uncertain significance for Inborn genetic diseases. Last evaluated: 2022-02-02. Review status: criteria provided, single submitter. Criteria: Ambry Variant Classification Scheme 2023. Collection method: clinical testing. Allele origin: germline.

NM_001291303.3(FAT4):c.12676A>C (p.Lys4226Gln)

Gene: FAT4 (FAT atypical cadherin 4; plus strand). Cytogenetic location: 4q28.1.
Variant type: single nucleotide variant.
Coding change: c.12676A>C on transcript NM_001291303.3 (MANE Select); coding-DNA position 12676, A replaced by C.
Protein change: p.Lys4226Gln; replaces lysine 4226 with glutamine.
Molecular consequence: missense variant.
Genome position (GRCh38, 1-based): chr4:125,481,592, A>C. VCF-style: chr4-125481592-A-C. GRCh37 (hg19) VCF-style: chr4-126402747-A-C.
Other names: c.12676A>C, p.Lys4226Gln (NM_001291285.3); c.12670A>C, p.Lys4224Gln (NM_024582.6); short protein forms K4224Q, K4226Q.
Identifiers: ClinVar variation 1722911 (VCV001722911.6), dbSNP rs766249941, ClinGen allele CA3074166.